The following is an entry in ClinVar:

NM_000465.4(BARD1):c.1222A>G (p.Met408Val)

Gene: BARD1 (BRCA1 associated RING domain 1; minus strand). Cytogenetic location: 2q35.
Variant type: single nucleotide variant.
Coding change: c.1222A>G on transcript NM_000465.4 (MANE Select); coding-DNA position 1222, A replaced by G.
Protein change: p.Met408Val; replaces methionine 408 with valine.
Molecular consequence: missense variant. On other transcripts: non-coding transcript variant (2), intron variant (3).
Genome position (GRCh38, 1-based): chr2:214,780,652, T>C on the plus strand (A>G on the coding strand, the complement: BARD1 is on the minus strand). VCF-style: chr2-214780652-T-C. GRCh37 (hg19) VCF-style: chr2-215645376-T-C.
Other names: c.1165A>G, p.Met389Val (NM_001282543.2); c.159-28097A>G (NM_001282548.2); c.215+16409A>G (NM_001282545.2); c.364+11645A>G (NM_001282549.2); c.1222A>G (NM_000465.2); short protein forms M389V, M408V.
Identifiers: ClinVar variation 1002714 (VCV001002714.8), dbSNP rs1694946023, ClinGen allele CA350453670.

ClinVar aggregate classification (germline): Conflicting classifications of pathogenicity. Review status: criteria provided, conflicting classifications (1 of 4 stars). 2 submissions from 2 submitters: Uncertain significance (1); Likely benign (1). Last evaluated 2024-03-05.

Conditions:
Hereditary cancer-predisposing syndrome. Also called: Neoplastic Syndromes, Hereditary; Tumor predisposition; Hereditary Cancer Syndrome; Hereditary neoplastic syndrome. Identifiers: Orphanet 140162, MedGen C0027672, MeSH D009386, MONDO:0015356.
Familial cancer of breast. Also called: Hereditary breast cancer; hereditary breast carcinoma; BREAST CANCER, FAMILIAL. Identifiers: Orphanet 227535, MedGen C0346153, MONDO:0016419, OMIM 114480. Disease mechanism: loss of function.

Submissions (2):

Ambry Genetics
Classification: Likely benign for Hereditary cancer-predisposing syndrome. Last evaluated: 2024-03-05. Review status: criteria provided, single submitter. Criteria: Ambry Variant Classification Scheme 2023. Collection method: clinical testing. Allele origin: germline.

Labcorp Genetics (formerly Invitae), Labcorp
Classification: Uncertain significance for Familial cancer of breast. Last evaluated: 2023-07-21. Review status: criteria provided, single submitter. Criteria: Invitae Variant Classification Sherloc (09022015). Collection method: clinical testing. Allele origin: germline.
Comment: This variant is not present in population databases (gnomAD no frequency). In summary, the available evidence is currently insufficient to determine the role of this variant in disease. Therefore, it has been classified as a Variant of Uncertain Significance. Algorithms developed to predict the effect of missense changes on protein structure and function output the following: SIFT: "Not Available"; PolyPhen-2: "Benign"; Align-GVGD: "Not Available". The valine amino acid residue is found in multiple mammalian species, which suggests that this missense change does not adversely affect protein function. ClinVar contains an entry for this variant (Variation ID: 1002714). This variant has not been reported in the literature in individuals affected with BARD1-related conditions. This sequence change replaces methionine, which is neutral and non-polar, with valine, which is neutral and non-polar, at codon 408 of the BARD1 protein (p.Met408Val).